The following is an entry in ClinVar:

NM_000489.6(ATRX):c.3635A>G (p.Asp1212Gly)

Gene: ATRX (ATRX chromatin remodeler; minus strand). Cytogenetic location: Xq21.1.
Variant type: single nucleotide variant.
Coding change: c.3635A>G on transcript NM_000489.6 (MANE Select); coding-DNA position 3635, A replaced by G.
Protein change: p.Asp1212Gly; replaces aspartic acid 1212 with glycine.
Molecular consequence: missense variant.
Genome position (GRCh38, 1-based): chrX:77,681,621, T>C on the plus strand (A>G on the coding strand, the complement: ATRX is on the minus strand). VCF-style: chrX-77681621-T-C. GRCh37 (hg19) VCF-style: chrX-76937113-T-C.
Other names: c.3521A>G, p.Asp1174Gly (NM_138270.5); short protein forms D1174G, D1212G.
Identifiers: ClinVar variation 1920115 (VCV001920115.5), dbSNP rs2148568315, ClinGen allele CA413705939.

ClinVar aggregate classification (germline): Uncertain significance (1 of 4 stars; one submission).

Conditions:
Alpha thalassemia-X-linked intellectual disability syndrome (ATRX). Also called: ATR, NONDELETION TYPE; ATR-X syndrome; Alpha thalassemia mental retardation syndrome, nondeletion type, X-linked; XLMR hypotonic face syndrome; ALPHA-THALASSEMIA/MENTAL RETARDATION SYNDROME, X-LINKED; X-linked alpha-thalassemia-mental retardation syndrome. Identifiers: Orphanet 847, MedGen C1845055, MONDO:0010519, OMIM 301040.

Submission:

Labcorp Genetics (formerly Invitae), Labcorp
Classification: Uncertain significance for Alpha thalassemia-X-linked intellectual disability syndrome. Last evaluated: 2023-05-31. Review status: criteria provided, single submitter. Criteria: Invitae Variant Classification Sherloc (09022015). Collection method: clinical testing. Allele origin: germline.
Comment: This sequence change replaces aspartic acid, which is acidic and polar, with glycine, which is neutral and non-polar, at codon 1212 of the ATRX protein (p.Asp1212Gly). This variant is not present in population databases (gnomAD no frequency). This variant has not been reported in the literature in individuals affected with ATRX-related conditions. ClinVar contains an entry for this variant (Variation ID: 1920115). Advanced modeling of protein sequence and biophysical properties (such as structural, functional, and spatial information, amino acid conservation, physicochemical variation, residue mobility, and thermodynamic stability) performed at Invitae indicates that this missense variant is not expected to disrupt ATRX protein function. In summary, the available evidence is currently insufficient to determine the role of this variant in disease. Therefore, it has been classified as a Variant of Uncertain Significance.